The following is an entry in ClinVar:

ClinVar aggregate classification (germline): Benign. Review status: criteria provided, multiple submitters, no conflicts (2 of 4 stars). 2 submissions from 2 submitters: Benign (2). Last evaluated 2016-03-28.

Allele frequency attached by ClinVar (database versions not stated): 1000 Genomes Project 30x 0.01343; gnomAD 0.01891 and 0.01953; gnomAD exomes 0.02287; ESP Exome Variant Server 0.02700; ExAC 0.02735.
gnomAD v4.1: 45,193 of 1,610,006 alleles (2.8%); highest among the groups gnomAD compares: Non-Finnish European, 3.1%; 1 homozygote.

Submissions (2):

Laboratory for Molecular Medicine, Mass General Brigham Personalized Medicine
Classification: Benign. Last evaluated: 2016-03-28. Review status: criteria provided, single submitter. Criteria: LMM Criteria. Collection method: clinical testing. Allele origin: germline.
Comment: Variant identified in a genome or exome case(s) and assessed due to predicted null impact of the variant or pathogenic assertions in the literature or databases. Disclaimer: This variant has not undergone full assessment. The following are preliminary notes: Frequency

Breakthrough Genomics
Classification: Benign. Review status: criteria provided, single submitter. Criteria: ACMG Guidelines, 2015. Collection method: not provided. Allele origin: germline. Inheritance: Autosomal dominant inheritance. Affected: yes.

NM_002458.3(MUC5B):c.7829C>G (p.Thr2610Ser)

Genes: MUC5B (mucin 5B, oligomeric mucus/gel-forming; plus strand), MUC5B-AS1 (MUC5B antisense RNA 1; minus strand). Cytogenetic location: 11p15.5.
Variant type: single nucleotide variant.
Coding change: c.7829C>G on transcript NM_002458.3 (MANE Select); coding-DNA position 7829, C replaced by G.
Protein change: p.Thr2610Ser; replaces threonine 2610 with serine.
Molecular consequence: missense variant.
Genome position (GRCh38, 1-based): chr11:1,244,709, C>G. VCF-style: chr11-1244709-C-G. GRCh37 (hg19) VCF-style: chr11-1265939-C-G.
Other names: short protein forms T2610S.
Identifiers: ClinVar variation 403144 (VCV000403144.5), dbSNP rs117736426, ClinGen allele CA5806442.